The following is an entry in ClinVar:

NM_000942.5(PPIB):c.151C>T (p.Arg51Ter)

Gene: PPIB (peptidylprolyl isomerase B; minus strand). Cytogenetic location: 15q22.31.
Variant type: single nucleotide variant.
Coding change: c.151C>T on transcript NM_000942.5 (MANE Select); coding-DNA position 151, C replaced by T.
Protein change: p.Arg51Ter; replaces arginine 51 with a stop codon.
Molecular consequence: nonsense.
Genome position (GRCh38, 1-based): chr15:64,162,139, G>A on the plus strand (C>T on the coding strand, the complement: PPIB is on the minus strand). VCF-style: chr15-64162139-G-A. GRCh37 (hg19) VCF-style: chr15-64454338-G-A.
Other names: short protein forms R51*.
Identifiers: ClinVar variation 3612403 (VCV003612403.2).

ClinVar aggregate classification (germline): Pathogenic (1 of 4 stars; one submission).

gnomAD v4.1: 8 of 1,613,214 alleles (0.0005%); highest among the groups gnomAD compares: Non-Finnish European, 0.00068%; no homozygotes.

Submission:

Labcorp Genetics (formerly Invitae), Labcorp
Classification: Pathogenic. Last evaluated: 2024-03-26. Review status: criteria provided, single submitter. Criteria: Invitae Variant Classification Sherloc (09022015). Collection method: clinical testing. Allele origin: germline.
Comment: This sequence change creates a premature translational stop signal (p.Arg51*) in the PPIB gene. It is expected to result in an absent or disrupted protein product. Loss-of-function variants in PPIB are known to be pathogenic (PMID: 19781681, 19997487, 24968150). This variant is not present in population databases (gnomAD no frequency). This variant has not been reported in the literature in individuals affected with PPIB-related conditions. For these reasons, this variant has been classified as Pathogenic.

Literature cited by the submitters: PubMed 19781681; PubMed 19997487; PubMed 24968150.